The following is an entry in ClinVar:

ClinVar aggregate classification (germline): Uncertain significance. Review status: criteria provided, multiple submitters, no conflicts (2 of 4 stars). 2 submissions from 2 submitters: Uncertain significance (2). Last evaluated 2024-08-28.

Allele frequency attached by ClinVar (database versions not stated): ExAC 0.00004; gnomAD 0.00004; gnomAD exomes 0.00005; TOPMed 0.00005.
gnomAD v4.1: 79 of 1,613,916 alleles (0.0049%); highest among the groups gnomAD compares: East Asian, 0.0089%; no homozygotes.

Submissions (2):

Ambry Genetics
Classification: Uncertain significance. Last evaluated: 2024-08-28. Review status: criteria provided, single submitter. Criteria: Ambry Variant Classification Scheme 2023. Collection method: clinical testing. Allele origin: germline.

Labcorp Genetics (formerly Invitae), Labcorp
Classification: Uncertain significance. Last evaluated: 2022-11-04. Review status: criteria provided, single submitter. Criteria: Invitae Variant Classification Sherloc (09022015). Collection method: clinical testing. Allele origin: germline.
Comment: In summary, the available evidence is currently insufficient to determine the role of this variant in disease. Therefore, it has been classified as a Variant of Uncertain Significance. Algorithms developed to predict the effect of missense changes on protein structure and function are either unavailable or do not agree on the potential impact of this missense change (SIFT: "Deleterious"; PolyPhen-2: "Benign"; Align-GVGD: "Class C0"). This variant has not been reported in the literature in individuals affected with PLD3-related conditions. This variant is present in population databases (rs745451549, gnomAD 0.03%). This sequence change replaces valine, which is neutral and non-polar, with isoleucine, which is neutral and non-polar, at codon 199 of the PLD3 protein (p.Val199Ile).

NM_012268.4(PLD3):c.595G>A (p.Val199Ile)

Gene: PLD3 (phospholipase D family member 3; plus strand). Cytogenetic location: 19q13.2.
Variant type: single nucleotide variant.
Coding change: c.595G>A on transcript NM_012268.4 (MANE Select); coding-DNA position 595, G replaced by A.
Protein change: p.Val199Ile; replaces valine 199 with isoleucine.
Molecular consequence: missense variant.
Genome position (GRCh38, 1-based): chr19:40,370,154, G>A. VCF-style: chr19-40370154-G-A. GRCh37 (hg19) VCF-style: chr19-40876061-G-A.
Other names: c.595G>A (NM_012268.2); c.595G>A, p.Val199Ile (NM_001031696.4, NM_001291311.2); short protein forms V199I.
Identifiers: ClinVar variation 2905443 (VCV002905443.4), dbSNP rs745451549, ClinGen allele CA9442781.